The following is an entry in ClinVar:

NM_007294.4(BRCA1):c.2943A>T (p.Pro981=)

Gene: BRCA1 (BRCA1 DNA repair associated; minus strand). Cytogenetic location: 17q21.31.
Variant type: single nucleotide variant.
Coding change: c.2943A>T on transcript NM_007294.4 (MANE Select); coding-DNA position 2943, A replaced by T.
Protein change: p.Pro981=; no amino-acid change (proline 981 retained).
Molecular consequence: synonymous variant. On other transcripts: intron variant (137).
Genome position (GRCh38, 1-based): chr17:43,092,588, T>A on the plus strand (A>T on the coding strand, the complement: BRCA1 is on the minus strand). VCF-style: chr17-43092588-T-A. GRCh37 (hg19) VCF-style: chr17-41244605-T-A.
Other names: c.2820A>T, p.Pro940= (NM_001407668.1, NM_001407669.1, NM_001407674.1 and 19 more transcripts); c.2817A>T, p.Pro939= (NM_001407670.1, NM_001407671.1, NM_001407672.1 and 11 more transcripts); c.2943A>T, p.Pro981= (NM_001407684.1, NM_001407854.1, NM_001407858.1 and 30 more transcripts); c.2802A>T, p.Pro934= (NM_001407692.1, NM_001407694.1, NM_001407695.1 and 29 more transcripts); c.2799A>T, p.Pro933= (NM_001407740.1, NM_001407741.1, NM_001407742.1 and 20 more transcripts); c.2730A>T, p.Pro910= (NM_001407853.1, NM_001407894.1, NM_001407895.1 and 9 more transcripts); c.2940A>T, p.Pro980= (NM_001407860.1, NM_001407861.1, NM_001407587.1 and 22 more transcripts); c.2742A>T, p.Pro914= (NM_001407862.1); and 41 more.
Identifiers: ClinVar variation 136083 (VCV000136083.16), dbSNP rs587780799, ClinGen allele CA001922.

ClinVar aggregate classification (germline): Likely benign. Review status: reviewed by expert panel (3 of 4 stars). 5 submissions from 5 submitters: Likely benign (1). 4 of the submissions do not count toward it. Last evaluated 2017-06-29.

Conditions:
Hereditary cancer-predisposing syndrome. Also called: Tumor predisposition; Hereditary neoplastic syndrome; Hereditary Cancer Syndrome; Neoplastic Syndromes, Hereditary. Identifiers: Orphanet 140162, MedGen C0027672, MeSH D009386, MONDO:0015356.
Hereditary breast ovarian cancer syndrome. Also called: Hereditary breast and/or ovarian cancer syndrome; Breast and ovarian cancer; Hereditary breast and ovarian cancer syndrome; Hereditary breast and ovarian cancer; Hereditary breast and ovarian cancer syndrome (HBOC); BRCA1- and BRCA2-Associated Hereditary Breast and Ovarian Cancer. Identifiers: Orphanet 145, MedGen C0677776, MeSH D061325, MONDO:0003582. Disease mechanism: loss of function.
Breast-ovarian cancer, familial, susceptibility to, 1 (BROVCA1). Also called: BRCA1 Hereditary Breast and Ovarian Cancer; OVARIAN CANCER, SUSCEPTIBILITY TO. Identifiers: Orphanet 145, MedGen C2676676, MONDO:0011450, OMIM 604370. Disease mechanism: loss of function.

Allele frequency attached by ClinVar (database versions not stated): gnomAD exomes below 0.00001; TOPMed below 0.00001; gnomAD 0.00001.
gnomAD v4.1: 6 of 1,613,948 alleles (0.00037%); highest among the groups gnomAD compares: Non-Finnish European, 0.00042%; no homozygotes.

Submissions (5):

Evidence-based Network for the Interpretation of Germline Mutant Alleles (ENIGMA)
Classification: Likely benign for Breast-ovarian cancer, familial, susceptibility to, 1. Last evaluated: 2017-06-29. Review status: reviewed by expert panel. Criteria: ENIGMA BRCA1/2 Classification Criteria (2017-06-29). Collection method: curation. Allele origin: germline.
Comment: Synonymous substitution variant, with low bioinformatic likelihood to result in a splicing aberration (Splicing prior probability 0.02).

Labcorp Genetics (formerly Invitae), Labcorp
Classification: Likely benign for Hereditary breast ovarian cancer syndrome. Last evaluated: 2025-01-21. Review status: criteria provided, single submitter. Criteria: Invitae Variant Classification Sherloc (09022015). Collection method: clinical testing. Allele origin: germline. Not counted in ClinVar's aggregate classification.

All of Us Research Program, National Institutes of Health
Classification: Likely benign for Breast-ovarian cancer, familial, susceptibility to, 1. Last evaluated: 2023-12-13. Review status: criteria provided, single submitter. Criteria: ACMG Guidelines, 2015. Collection method: clinical testing. Allele origin: germline. Inheritance: Autosomal dominant inheritance. Observed: 1 variant allele, 1 heterozygote. Not counted in ClinVar's aggregate classification.
Comment: This study involves interpretation of variants in research participants for the purpose of population health screening. Participant phenotype was not available at the time of variant classification. Additional details can be found in publication PMID: 35346344, PMCID: PMC8962531

Ambry Genetics
Classification: Likely benign for Hereditary cancer-predisposing syndrome. Last evaluated: 2020-07-11. Review status: criteria provided, single submitter. Criteria: Ambry Variant Classification Scheme 2023. Collection method: clinical testing. Allele origin: germline. Not counted in ClinVar's aggregate classification.

GeneDx
Classification: Likely benign. Last evaluated: 2017-10-09. Review status: criteria provided, single submitter. Criteria: GeneDx Variant Classification (06012015). Collection method: clinical testing. Allele origin: germline. Affected: yes. Not counted in ClinVar's aggregate classification.
Comment: This variant is considered likely benign or benign based on one or more of the following criteria: it is a conservative change, it occurs at a poorly conserved position in the protein, it is predicted to be benign by multiple in silico algorithms, and/or has population frequency not consistent with disease.